The following is an entry in ClinVar:

NM_001024630.4(RUNX2):c.172CAACAGCAGCAGCAGCAGCAG[1] (p.Gln65_Gln71del)

Genes: RUNX2 (RUNX family transcription factor 2; plus strand), LOC109611589 (runt related transcription factor 2 polyalanine expansion region; plus strand). Cytogenetic location: 6p21.1.
Variant type: Microsatellite.
Coding change: c.172CAACAGCAGCAGCAGCAGCAG[1] on transcript NM_001024630.4 (MANE Select); one copy of the 21-base unit CAACAGCAGCAGCAGCAGCAG starting at c.172; the reference has two copies in a row; one copy, 21 bases deleted.
Protein change: p.Gln65_Gln71del.
Molecular consequence: inframe deletion.
Genome position (GRCh38, 1-based): chr6:45,422,727-45,422,747, CAACAGCAGCAGCAGCAGCAG deleted; deleting any 21 consecutive bases within chr6:45,422,694-45,422,747 gives the same sequence; the position shown is the placement nearest the transcript's 3' end. VCF-style (leftmost placement, unchanged base first): chr6-45422693-ACAGCAGCAGCAGCAACAGCAG-A. GRCh37 (hg19) VCF-style: chr6-45390430-ACAGCAGCAGCAGCAACAGCAG-A.
Other names: c.193_213delCAACAGCAGCAGCAGCAGCAG (NM_001024630.3); c.172CAACAGCAGCAGCAGCAGCAG[1], p.Gln65_Gln71del (NM_001015051.4); c.130CAACAGCAGCAGCAGCAGCAG[1], p.Gln51_Gln57del (NM_001278478.2, NM_001369405.1).
Identifiers: ClinVar variation 196302 (VCV000196302.46), dbSNP rs774172072, ClinGen allele CA206465.

ClinVar aggregate classification (germline): Conflicting classifications of pathogenicity. Review status: criteria provided, conflicting classifications (1 of 4 stars). 7 submissions from 7 submitters: Uncertain significance (2); Likely benign (5). Last evaluated 2026-01-23.

Submissions (7):

Labcorp Genetics (formerly Invitae), Labcorp
Classification: Uncertain significance. Last evaluated: 2026-01-23. Review status: criteria provided, single submitter. Criteria: Invitae Variant Classification Sherloc (09022015). Collection method: clinical testing. Allele origin: germline.
Comment: This variant, c.193_213del, results in the deletion of 7 amino acid(s) of the RUNX2 protein (p.Gln65_Gln71del), but otherwise preserves the integrity of the reading frame. The frequency data for this variant in the population databases is considered unreliable, as metrics indicate poor data quality at this position in the gnomAD database. This variant has not been reported in the literature in individuals affected with RUNX2-related conditions. ClinVar contains an entry for this variant (Variation ID: 196302). Experimental studies and prediction algorithms are not available or were not evaluated, and the functional significance of this variant is currently unknown. In summary, the available evidence is currently insufficient to determine the role of this variant in disease. Therefore, it has been classified as a Variant of Uncertain Significance.

Blueprint Genetics
Classification: Likely benign. Last evaluated: 2024-11-25. Review status: criteria provided, single submitter. Criteria: ACMG Guidelines, 2015. Collection method: clinical testing. Allele origin: germline.

ARUP Laboratories, Molecular Genetics and Genomics, ARUP Laboratories
Classification: Likely benign. Last evaluated: 2024-03-22. Review status: criteria provided, single submitter. Criteria: ARUP Molecular Germline Variant Investigation Process 2024. Collection method: clinical testing. Allele origin: germline.

CeGaT Center for Human Genetics Tuebingen
Classification: Likely benign. Last evaluated: 2023-03-01. Review status: criteria provided, single submitter. Criteria: CeGaT Center For Human Genetics Tuebingen Variant Classification Criteria Version 2. Collection method: clinical testing. Allele origin: germline. Affected: yes. Observed: 1 variant allele.
Comment: RUNX2: BS1

GeneDx
Classification: Likely benign. Last evaluated: 2021-04-01. Review status: criteria provided, single submitter. Criteria: GeneDx Variant Classification Process June 2021. Collection method: clinical testing. Allele origin: germline. Affected: yes.
Comment: In-frame deletion in a repetitive region with no known function; Has not been previously published as pathogenic or benign to our knowledge

Genetic Services Laboratory, University of Chicago
Classification: Likely benign. Last evaluated: 2017-06-06. Review status: criteria provided, single submitter. Criteria: ACMG Guidelines, 2015. Collection method: clinical testing. Allele origin: germline. Affected: no.

Eurofins Ntd Llc (ga)
Classification: Uncertain significance. Last evaluated: 2015-01-05. Review status: criteria provided, single submitter. Criteria: EGL Classification Definitions 2015. Collection method: clinical testing. Allele origin: germline. Observed: 2 variant alleles, 1 heterozygote, 1 homozygote.